The following is an entry in ClinVar:

NM_004977.3(KCNC3):c.1326C>T (p.Arg442=)

Gene: KCNC3 (potassium voltage-gated channel subfamily C member 3; minus strand). Cytogenetic location: 19q13.33.
Variant type: single nucleotide variant.
Coding change: c.1326C>T on transcript NM_004977.3 (MANE Select); coding-DNA position 1326, C replaced by T.
Protein change: p.Arg442=; no amino-acid change (arginine 442 retained).
Molecular consequence: synonymous variant.
Genome position (GRCh38, 1-based): chr19:50,323,627, G>A on the plus strand (C>T on the coding strand, the complement: KCNC3 is on the minus strand). VCF-style: chr19-50323627-G-A. GRCh37 (hg19) VCF-style: chr19-50826884-G-A.
Other names: c.1098C>T, p.Arg366= (NM_001372305.1); c.1326C>T (NM_004977.2).
Identifiers: ClinVar variation 2142953 (VCV002142953.6), dbSNP rs376183622, ClinGen allele CA9594251.

ClinVar aggregate classification (germline): Likely benign. Review status: criteria provided, single submitter (1 of 4 stars). 2 submissions from 2 submitters: Likely benign (1). 1 of the submissions does not count toward it. Last evaluated 2024-04-22.

Conditions:
KCNC3-related disorder. Also called: KCNC3-related condition.

Allele frequency attached by ClinVar (database versions not stated): ExAC 0.00002; gnomAD exomes 0.00002; gnomAD 0.00007; TOPMed 0.00010; ESP Exome Variant Server 0.00015; 1000 Genomes Project 0.00020; 1000 Genomes Project 30x 0.00031.
gnomAD v4.1: 44 of 1,614,202 alleles (0.0027%); highest among the groups gnomAD compares: African/African-American, 0.028%; no homozygotes.

Submissions (2):

Labcorp Genetics (formerly Invitae), Labcorp
Classification: Likely benign. Last evaluated: 2024-04-22. Review status: criteria provided, single submitter. Criteria: Invitae Variant Classification Sherloc (09022015). Collection method: clinical testing. Allele origin: germline.

PreventionGenetics, part of Exact Sciences
Classification: Likely benign for KCNC3-related condition. Last evaluated: 2019-09-26. Review status: no assertion criteria provided. Collection method: clinical testing. Allele origin: germline. Not counted in ClinVar's aggregate classification.
Comment: This variant is classified as likely benign based on ACMG/AMP sequence variant interpretation guidelines (Richards et al. 2015 PMID: 25741868, with internal and published modifications).